The following is an entry in ClinVar:

ClinVar aggregate classification (germline): Likely benign. Review status: criteria provided, multiple submitters, no conflicts (2 of 4 stars). 3 submissions from 3 submitters: Likely benign (3). Last evaluated 2026-09-01.

Allele frequency attached by ClinVar (database versions not stated): 1000 Genomes Project 30x 0.00219; 1000 Genomes Project 0.00240; gnomAD 0.00432 and 0.00436; gnomAD exomes 0.00453 and 0.00455; ExAC 0.00460; ESP Exome Variant Server 0.00484; TOPMed 0.00485.
gnomAD v4.1: 7,404 of 1,614,050 alleles (0.46%); highest among the groups gnomAD compares: Middle Eastern, 3.2%; 39 homozygotes.

Submissions (3):

CeGaT Center for Human Genetics Tuebingen
Classification: Likely benign. Last evaluated: 2026-09-01. Review status: criteria provided, single submitter. Criteria: CeGaT Center For Human Genetics Tuebingen Variant Classification Criteria Version 2. Collection method: clinical testing. Allele origin: germline. Affected: yes. Observed: 20 variant alleles.
Comment: LTBP1: BP4, BS2

Labcorp Genetics (formerly Invitae), Labcorp
Classification: Likely benign. Last evaluated: 2018-06-01. Review status: criteria provided, single submitter. Criteria: Invitae Variant Classification Sherloc (09022015). Collection method: clinical testing. Allele origin: germline.

Breakthrough Genomics
Classification: Likely benign. Review status: criteria provided, single submitter. Criteria: ACMG Guidelines, 2015. Collection method: not provided. Allele origin: germline. Inheritance: Autosomal recessive inheritance. Affected: yes.

NM_206943.4(LTBP1):c.3989G>A (p.Arg1330Gln)

Gene: LTBP1 (latent transforming growth factor beta binding protein 1; plus strand). Cytogenetic location: 2p22.3.
Variant type: single nucleotide variant.
Coding change: c.3989G>A on transcript NM_206943.4 (MANE Select); coding-DNA position 3989, G replaced by A.
Protein change: p.Arg1330Gln; replaces arginine 1330 with glutamine.
Molecular consequence: missense variant. On other transcripts: intron variant (6).
Genome position (GRCh38, 1-based): chr2:33,347,499, G>A. VCF-style: chr2-33347499-G-A. GRCh37 (hg19) VCF-style: chr2-33572566-G-A.
Other names: c.3011G>A, p.Arg1004Gln (NM_000627.4); c.2885G>A, p.Arg962Gln (NM_001166264.2, NM_001394909.1); c.2852G>A, p.Arg951Gln (NM_001166265.2); c.2726G>A, p.Arg909Gln (NM_001166266.2, NM_001394920.1); c.3830G>A, p.Arg1277Gln (NM_001394905.1); c.3008G>A, p.Arg1003Gln (NM_001394906.1); c.2924G>A, p.Arg975Gln (NM_001394907.1); c.2891G>A, p.Arg964Gln (NM_001394908.1); and 14 more; short protein forms R951Q, R1330Q, R962Q, R909Q, R1004Q, R1003Q, R1277Q, R867Q.
Identifiers: ClinVar variation 717568 (VCV000717568.27), dbSNP rs141080282, ClinGen allele CA1607973.